The following is an entry in ClinVar:

ClinVar aggregate classification (germline): Uncertain significance (1 of 4 stars; one submission).

Conditions:
Cardiovascular phenotype. Identifiers: MedGen CN230736.

Submission:

Ambry Genetics
Classification: Uncertain significance for Cardiovascular phenotype. Last evaluated: 2026-09-07. Review status: criteria provided, single submitter. Criteria: Ambry Variant Classification Scheme 2023. Collection method: clinical testing. Allele origin: germline.
Comment: The p.A463V variant (also known as c.1388C>T), located in coding exon 8 of the TBX1 gene, results from a C to T substitution at nucleotide position 1388. The alanine at codon 463 is replaced by valine, an amino acid with similar properties. This amino acid position is conserved. In addition, this alteration is predicted to be tolerated by in silico analysis. Based on the available evidence, the clinical significance of this variant remains unclear.

NM_001379200.1(TBX1):c.1415C>T (p.Ala472Val)

Gene: TBX1 (T-box transcription factor 1; plus strand). Cytogenetic location: 22q11.21.
Variant type: single nucleotide variant.
Coding change: c.1415C>T on transcript NM_001379200.1 (MANE Select); coding-DNA position 1415, C replaced by T.
Protein change: p.Ala472Val; replaces alanine 472 with valine.
Molecular consequence: missense variant. On other transcripts: intron variant (2).
Genome position (GRCh38, 1-based): chr22:19,766,767, C>T. VCF-style: chr22-19766767-C-T. GRCh37 (hg19) VCF-style: chr22-19754290-C-T.
Other names: c.1388C>T, p.Ala463Val (NM_080647.1); c.1009+765C>T (NM_005992.1, NM_080646.2); short protein forms A472V, A463V.
Identifiers: ClinVar variation 5030539 (VCV005030539.1).
Genomic context (GRCh38, chr22:19,766,767, plus strand): 5'-GCCACGGCTACCACCCGCACGCGCATCCGCACCACCACCACCACCCCGTGAGTCCAGCCG[C>T]CGCGGCCGCCGCCGCCGCTGCCGCAGCTGCCGCGGCCGCCAACATGTACTCGTCGGCCGG-3'
Protein context (NP_001366129.1, residues 462-482): HHHHHPVSPA[Ala472Val]AAAAAAAAAA